The following is an entry in ClinVar:

NM_001020658.2(PUM1):c.3439C>T (p.Arg1147Trp)

Gene: PUM1 (pumilio RNA binding family member 1; minus strand). Cytogenetic location: 1p35.2.
Variant type: single nucleotide variant.
Coding change: c.3439C>T on transcript NM_001020658.2 (MANE Select); coding-DNA position 3439, C replaced by T.
Protein change: p.Arg1147Trp; replaces arginine 1147 with tryptophan.
Molecular consequence: missense variant.
Genome position (GRCh38, 1-based): chr1:30,933,339, G>A on the plus strand (C>T on the coding strand, the complement: PUM1 is on the minus strand). VCF-style: chr1-30933339-G-A. GRCh37 (hg19) VCF-style: chr1-31406186-G-A.
Other names: c.3433C>T, p.Arg1145Trp (NM_014676.3); short protein forms R1145W, R1147W.
Identifiers: ClinVar variation 617918 (VCV000617918.56), dbSNP rs1557539450, ClinGen allele CA339559675.

ClinVar aggregate classification (germline): Pathogenic/Likely pathogenic. Review status: criteria provided, multiple submitters, no conflicts (2 of 4 stars). 10 submissions from 10 submitters: Pathogenic (5); Likely pathogenic (3). 2 of the submissions do not count toward it. Last evaluated 2026-04-11.

Conditions:
Spinocerebellar ataxia 47 (NEDMSF). Also called: neurodevelopmental disorder with motor abnormalities, seizures, and facial dysmorphism; PADDAS SYNDROME. Identifiers: Orphanet 642747, MedGen C4693672, MONDO:0033482, OMIM 620719.
Inborn genetic diseases. Identifiers: MedGen C0950123, MeSH D030342.
PUM1-associated developmental disability-ataxia-seizure syndrome. Identifiers: Orphanet 589515, MedGen CN376901, MONDO:0958231.
PUM1-related disorder. Also called: PUM1-related disorders; PUM1-related condition.

Submissions (10):

PreventionGenetics, part of Exact Sciences
Classification: Likely pathogenic for PUM1-related condition. Last evaluated: 2026-04-11. Review status: criteria provided, single submitter. Criteria: ACMG Guidelines, 2015. Collection method: clinical testing. Allele origin: germline.
Comment: The PUM1 c.3439C>T variant is predicted to result in the amino acid substitution p.Arg1147Trp. This variant has been reported as a recurrent de novo variant in multiple individuals with a neurodevelopmental disorder and seizures (see for example: Gennarino et al. 2018. PubMed ID: 29474920; Voet et al. 2019. PubMed ID: 31859446; Bowling et al. 2021. PubMed ID: 34930662; Ye et al. 2022. PubMed ID: 35386260; Majethia et al. 2024. PubMed ID: 38374498) and is interpreted as likely pathogenic/pathogenic in ClinVar (Variation ID: 617918). This variant has not been reported in a large population database (gnomAD), indicating this variant is rare. This variant is interpreted as likely pathogenic.

3billion
Classification: Pathogenic for Spinocerebellar ataxia 47. Last evaluated: 2025-05-27. Review status: criteria provided, single submitter. Criteria: ACMG Guidelines, 2015. Collection method: clinical testing. Allele origin: germline. Affected: yes.
Comment: The variant is not observed in the gnomAD v4.1.0 dataset. Predicted Consequence/Location: Missense variant In silico tool predictions suggest damaging effect of the variant on gene or gene product [3Cnet: 0.94 (> 0.75, sensitivity 0.96 and precision 0.92)]. The same nucleotide change resulting in the same amino acid change has been previously reported as pathogenic/likely pathogenic with strong evidence (ClinVar ID: VCV000617918 /PMID: 29474920). The variant has been previously reported as de novo in a similarly affected individual (PMID: 29474920). Therefore, this variant is classified as Pathogenic according to the recommendation of ACMG/AMP guideline.

SIB Swiss Institute of Bioinformatics
Classification: Likely pathogenic for Spinocerebellar ataxia 47. Last evaluated: 2024-04-29. Review status: criteria provided, single submitter. Criteria: ACMG Guidelines, 2015. Collection method: curation. Allele origin: unknown. Inheritance: Autosomal dominant inheritance.
Comment: This variant is interpreted as Likely Pathogenic, for Neurodevelopmental disorder with motor abnormalities, seizures, and facial dysmorphism, autosomal dominant. The following ACMG Tag(s) were applied: Absent from controls or at extremely low frequency if recessive in Exome Sequencing Project, 1000 Genomes Project, or Exome Aggregation Consortium (PM2_supporting). Multiple lines of computational evidence support a deleterious effect on the gene or gene product (PP3 ). Confirmed de novo (PS2) (PMID: 29474920, 30903679, 31859446, 35386260). Prevalence in affected individuals statistically increased over controls (PS4_supporting) . Well-established functional studies show a deleterious effect ( PS3_supporting) (PubMed 29474920).

GeneDx
Classification: Pathogenic. Last evaluated: 2023-09-07. Review status: criteria provided, single submitter. Criteria: GeneDx Variant Classification Process June 2021. Collection method: clinical testing. Allele origin: germline. Affected: yes.
Comment: Published functional studies demonstrate a damaging effect (moderately impaired PUM1 repression activity) (Gennarino et al., 2018); Not observed at significant frequency in large population cohorts (gnomAD); This variant is associated with the following publications: (PMID: 29474920, 34930662, 31859446, 30903679, 35386260)

Ambry Genetics
Classification: Likely pathogenic for Inborn genetic diseases. Last evaluated: 2021-07-30. Review status: criteria provided, single submitter. Criteria: Ambry Variant Classification Scheme 2023. Collection method: clinical testing. Allele origin: germline.
Comment: The c.3439C>T (p.R1147W) alteration is located in exon 22 (coding exon 21) of the PUM1 gene. This alteration results from a C to T substitution at nucleotide position 3439, causing the arginine (R) at amino acid position 1147 to be replaced by a tryptophan (W). Based on data from the Genome Aggregation Database (gnomAD), the PUM1 c.3439C>T alteration was not observed, with coverage at this position. This alteration has been described to occur de novo in three unrelated individuals who presented with a neurodevelopmental disorder and similar additional features including epilepsy, dysmorphic facial features, hypotonia, cryptorchidism, strabismus, and various brain anomalies on MRI (Bonnemason-Carrere, 2019; Gennarino, 2018; Voet, 2020). This amino acid position is highly conserved in available vertebrate species. The in silico prediction for the p.R1147W alteration is inconclusive. Based on the available evidence, this alteration is classified as likely pathogenic.

HudsonAlpha Institute for Biotechnology
Classification: Pathogenic. Last evaluated: 2020-06-24. Review status: criteria provided, single submitter. Criteria: ACMG Guidelines, 2015. Collection method: research. Allele origin: de novo. Affected: yes. Observed: 1 variant allele. Study: CSER-SouthSeq.
Comment: ACMG codes:PS2; PS3; PS4M; PM2; PP3

CeGaT Center for Human Genetics Tuebingen
Classification: Pathogenic. Last evaluated: 2018-10-01. Review status: criteria provided, single submitter. Criteria: CeGaT Center For Human Genetics Tuebingen Variant Classification Criteria Version 2. Collection method: clinical testing. Allele origin: germline. Affected: yes. Observed: 1 variant allele.

Kasturba Medical College, Manipal, Kasturba Medical College, Manipal, Manipal Academy of Higher Education, Manipal, India
Classification: Pathogenic. Review status: criteria provided, single submitter. Criteria: ACMG Guidelines, 2015. Collection method: clinical testing. Allele origin: de novo. Inheritance: Autosomal dominant inheritance. Affected: yes. Observed: 1 heterozygote.

OMIM
Classification: Pathogenic for NEURODEVELOPMENTAL DISORDER WITH MOTOR ABNORMALITIES, SEIZURES, AND FACIAL DYSMORPHISM. Last evaluated: 2025-05-02. Review status: no assertion criteria provided. Collection method: literature only. Allele origin: germline. Not counted in ClinVar's aggregate classification.

Neurology Department, Shenzhen Children's Hospital
Classification: Pathogenic. Review status: no assertion criteria provided. Collection method: clinical testing. Allele origin: de novo. Inheritance: Autosomal dominant inheritance. Affected: yes. Observed: 1 heterozygote. Not counted in ClinVar's aggregate classification.
Comment: Trio-based WES revealed that the exon 22 of the PUM1 gene had a de novo heterozygous missense variant which is otherwise absent in population databases (dbSNP, ExAC, and GnomAD). Thus far, at least three unrelated patients with this variant have been reported (Bonnemason-Carrere et al., 2019; Gennarino et al., 2018; Voet et al., 2020), and all of them were de novo. Upon Western blotting analysis, it was found that the PUM1 protein stability was markedly compromised by this variant (Gennarino et al., 2018). Taken together, according to the American college of medical genetics and genomics guidelines, this variant is considered pathogenic (Richards et al., 2015).

Literature cited by the submitters: PubMed 29474920 (cited by 5 submitters); PubMed 30903679 (cited by 3 submitters); PubMed 31859446 (cited by 3 submitters); PubMed 35386260 (cited by SIB Swiss Institute of Bioinformatics and OMIM); DOI 10.1002/ajmg.a.61127 (cited by Neurology Department, Shenzhen Children's Hospital); DOI 10.1016/j.cell.2018.02.006 (cited by Neurology Department, Shenzhen Children's Hospital); DOI 10.1002/ajmg.a.61463 (cited by Neurology Department, Shenzhen Children's Hospital).